The following is an entry in ClinVar:

NM_014391.3(ANKRD1):c.599A>G (p.Asp200Gly)

Gene: ANKRD1 (ankyrin repeat domain 1; minus strand). Cytogenetic location: 10q23.31.
Variant type: single nucleotide variant.
Coding change: c.599A>G on transcript NM_014391.3 (MANE Select); coding-DNA position 599, A replaced by G.
Protein change: p.Asp200Gly; replaces aspartic acid 200 with glycine.
Molecular consequence: missense variant.
Genome position (GRCh38, 1-based): chr10:90,916,223, T>C on the plus strand (A>G on the coding strand, the complement: ANKRD1 is on the minus strand). VCF-style: chr10-90916223-T-C. GRCh37 (hg19) VCF-style: chr10-92675980-T-C.
Other names: short protein forms D200G.
Identifiers: ClinVar variation 1396555 (VCV001396555.6), dbSNP rs1004430284, ClinGen allele CA211422144.

ClinVar aggregate classification (germline): Uncertain significance (1 of 4 stars; one submission).

Conditions:
ANKRD1-related dilated cardiomyopathy. Identifiers: MedGen CN119551.

Allele frequency attached by ClinVar (database versions not stated): gnomAD 0.00001; TOPMed 0.00001.
gnomAD v4.1: 2 of 1,613,872 alleles (0.00012%); highest among the groups gnomAD compares: Non-Finnish European, 0.000085%; no homozygotes.

Submission:

Labcorp Genetics (formerly Invitae), Labcorp
Classification: Uncertain significance for ANKRD1-related dilated cardiomyopathy. Last evaluated: 2024-02-17. Review status: criteria provided, single submitter. Criteria: Invitae Variant Classification Sherloc (09022015). Collection method: clinical testing. Allele origin: germline.
Comment: This sequence change replaces aspartic acid, which is acidic and polar, with glycine, which is neutral and non-polar, at codon 200 of the ANKRD1 protein (p.Asp200Gly). This variant is not present in population databases (gnomAD no frequency). This variant has not been reported in the literature in individuals affected with ANKRD1-related conditions. ClinVar contains an entry for this variant (Variation ID: 1396555). Advanced modeling of protein sequence and biophysical properties (such as structural, functional, and spatial information, amino acid conservation, physicochemical variation, residue mobility, and thermodynamic stability) performed at Invitae indicates that this missense variant is not expected to disrupt ANKRD1 protein function with a negative predictive value of 80%. Algorithms developed to predict the effect of sequence changes on RNA splicing suggest that this variant may disrupt the consensus splice site. In summary, the available evidence is currently insufficient to determine the role of this variant in disease. Therefore, it has been classified as a Variant of Uncertain Significance.